The following is an entry in ClinVar:

ClinVar aggregate classification (germline): Uncertain significance (1 of 4 stars; one submission).

Conditions:
Wilms tumor 1 (WT1). Also called: Wilms tumor, somatic. Identifiers: Orphanet 654, MedGen CN033288, MONDO:0008679, OMIM 194070.

Submission:

Labcorp Genetics (formerly Invitae), Labcorp
Classification: Uncertain significance for Wilms tumor 1. Last evaluated: 2024-02-12. Review status: criteria provided, single submitter. Criteria: Invitae Variant Classification Sherloc (09022015). Collection method: clinical testing. Allele origin: germline.
Comment: This sequence change falls in intron 6 of the GPC3 gene. It does not directly change the encoded amino acid sequence of the GPC3 protein. It affects a nucleotide within the consensus splice site. This variant is not present in population databases (gnomAD no frequency). This variant has not been reported in the literature in individuals affected with GPC3-related conditions. Variants that disrupt the consensus splice site are a relatively common cause of aberrant splicing (PMID: 17576681, 9536098). Algorithms developed to predict the effect of sequence changes on RNA splicing suggest that this variant is not likely to affect RNA splicing. In summary, the available evidence is currently insufficient to determine the role of this variant in disease. Therefore, it has been classified as a Variant of Uncertain Significance.

Literature cited by the submitters: PubMed 17576681; PubMed 9536098.

NM_004484.4(GPC3):c.1414-3C>A

Gene: GPC3 (glypican 3; minus strand). Cytogenetic location: Xq26.2.
Variant type: single nucleotide variant.
Coding change: c.1414-3C>A on transcript NM_004484.4 (MANE Select); 3 bases into the intron before coding-DNA position 1414, C replaced by A.
Molecular consequence: intron variant.
Genome position (GRCh38, 1-based): chrX:133,596,602, G>T on the plus strand (C>A on the coding strand, the complement: GPC3 is on the minus strand). VCF-style: chrX-133596602-G-T. GRCh37 (hg19) VCF-style: chrX-132730630-G-T.
Other names: c.1252-3C>A (NM_001164619.2); c.1366-3C>A (NM_001164618.2); c.1483-3C>A (NM_001164617.2).
Identifiers: ClinVar variation 2801969 (VCV002801969.3), dbSNP rs2069919599, ClinGen allele CA2739273776.